The following is an entry in ClinVar:

ClinVar aggregate classification (germline): Pathogenic/Likely pathogenic. Review status: criteria provided, multiple submitters, no conflicts (2 of 4 stars). 3 submissions from 3 submitters: Pathogenic (1); Likely pathogenic (2). Last evaluated 2025-02-06.

Conditions:
MYO18B-related disorder. Also called: MYO18B-related condition.
Klippel-Feil anomaly-myopathy-facial dysmorphism syndrome. Also called: Klippel-Feil syndrome 4, autosomal recessive, with myopathy and facial dysmorphism; Klippel-feil syndrome 4, autosomal recessive, with nemaline myopathy and facial dysmorphism. Identifiers: Orphanet 447974, MedGen C4225285, MONDO:0014689, OMIM 616549.

Allele frequency attached by ClinVar (database versions not stated): gnomAD 0.00001.

Submissions (3):

Revvity Omics, Revvity
Classification: Likely pathogenic for Klippel-Feil anomaly-myopathy-facial dysmorphism syndrome. Last evaluated: 2025-02-06. Review status: criteria provided, single submitter. Criteria: ACMG Guidelines, 2015. Collection method: clinical testing. Allele origin: germline.

Labcorp Genetics (formerly Invitae), Labcorp
Classification: Pathogenic. Last evaluated: 2024-05-01. Review status: criteria provided, single submitter. Criteria: Invitae Variant Classification Sherloc (09022015). Collection method: clinical testing. Allele origin: germline.
Comment: This sequence change creates a premature translational stop signal (p.Gln57*) in the MYO18B gene. It is expected to result in an absent or disrupted protein product. Loss-of-function variants in MYO18B are known to be pathogenic (PMID: 25748484, 32184166, 32637634). This variant is not present in population databases (gnomAD no frequency). This variant has not been reported in the literature in individuals affected with MYO18B-related conditions. ClinVar contains an entry for this variant (Variation ID: 1324761). For these reasons, this variant has been classified as Pathogenic.

Blueprint Genetics
Classification: Likely pathogenic for MYO18B-related disorders. Last evaluated: 2021-11-25. Review status: criteria provided, single submitter. Criteria: ACMG Guidelines, 2015. Collection method: clinical testing. Allele origin: germline. Affected: yes. Observed: 1 variant allele.

Literature cited by the submitters: PubMed 25748484 (cited by Labcorp Genetics (formerly Invitae), Labcorp); PubMed 32184166 (cited by Labcorp Genetics (formerly Invitae), Labcorp); PubMed 32637634 (cited by Labcorp Genetics (formerly Invitae), Labcorp).

NM_032608.7(MYO18B):c.169C>T (p.Gln57Ter)

Gene: MYO18B (myosin XVIIIB; plus strand). Cytogenetic location: 22q12.1.
Variant type: single nucleotide variant.
Coding change: c.169C>T on transcript NM_032608.7 (MANE Select); coding-DNA position 169, C replaced by T.
Protein change: p.Gln57Ter; replaces glutamine 57 with a stop codon.
Molecular consequence: nonsense.
Genome position (GRCh38, 1-based): chr22:25,763,360, C>T. VCF-style: chr22-25763360-C-T. GRCh37 (hg19) VCF-style: chr22-26159327-C-T.
Other names: c.169C>T, p.Gln57Ter (NM_001318245.2); short protein forms Q57*.
Identifiers: ClinVar variation 1324761 (VCV001324761.9), dbSNP rs1443918598, ClinGen allele CA411000023.
Genomic context (GRCh38, chr22:25,763,360, plus strand): 5'-TTCATTAAGCAACTGGTCCGGGGGACTGAAAAAGAGGCCAAGGAAGCGAGACAGAGGAAG[C>T]AGTTAGCTGTCGCCTCTCCAGAACGAGAGGTAAGTGGTTCCTAAGAAGGAGGACCGTATG-3'